The following is an entry in ClinVar:

NM_003611.3(OFD1):c.268T>G (p.Ser90Ala)

Gene: OFD1 (OFD1 centriole and centriolar satellite protein; plus strand). Cytogenetic location: Xp22.2.
Variant type: single nucleotide variant.
Coding change: c.268T>G on transcript NM_003611.3 (MANE Select); coding-DNA position 268, T replaced by G.
Protein change: p.Ser90Ala; replaces serine 90 with alanine.
Molecular consequence: missense variant. On other transcripts: 5 prime UTR variant (1).
Genome position (GRCh38, 1-based): chrX:13,736,634, T>G. VCF-style: chrX-13736634-T-G. GRCh37 (hg19) VCF-style: chrX-13754753-T-G.
Other names: c.268T>G, p.Ser90Ala (NM_001330209.2); c.-278T>G (NM_001330210.2); short protein forms S90A.
Identifiers: ClinVar variation 2944190 (VCV002944190.3), dbSNP rs2518759307, ClinGen allele CA412333481.

ClinVar aggregate classification (germline): Uncertain significance (1 of 4 stars; one submission).

Conditions:
Joubert syndrome. Also called: CEREBELLOPARENCHYMAL DISORDER IV; JOUBERT-BOLTSHAUSER SYNDROME; Familial aplasia of the vermis. Identifiers: Orphanet 475, MedGen C5979921, MONDO:0018772.
Orofaciodigital syndrome I (OFD1). Also called: OFDS I; Papillon-Leage and Psaume Syndrome; Oral-Facial-Digital Syndrome Type I. Identifiers: Orphanet 2750, MedGen C1510460, MONDO:0010702, OMIM 311200.

Submission:

Labcorp Genetics (formerly Invitae), Labcorp
Classification: Uncertain significance for Orofaciodigital syndrome I; Joubert syndrome. Last evaluated: 2023-02-11. Review status: criteria provided, single submitter. Criteria: Invitae Variant Classification Sherloc (09022015). Collection method: clinical testing. Allele origin: germline.
Comment: This sequence change replaces serine, which is neutral and polar, with alanine, which is neutral and non-polar, at codon 90 of the OFD1 protein (p.Ser90Ala). This variant is not present in population databases (gnomAD no frequency). This variant has not been reported in the literature in individuals affected with OFD1-related conditions. Advanced modeling of protein sequence and biophysical properties (such as structural, functional, and spatial information, amino acid conservation, physicochemical variation, residue mobility, and thermodynamic stability) performed at Invitae indicates that this missense variant is not expected to disrupt OFD1 protein function. In summary, the available evidence is currently insufficient to determine the role of this variant in disease. Therefore, it has been classified as a Variant of Uncertain Significance.